The following is an entry in ClinVar:

NM_001079802.2(FKTN):c.346C>T (p.Gln116Ter)

Gene: FKTN (fukutin; plus strand). Cytogenetic location: 9q31.2.
Variant type: single nucleotide variant.
Coding change: c.346C>T on transcript NM_001079802.2 (MANE Select); coding-DNA position 346, C replaced by T.
Protein change: p.Gln116Ter; replaces glutamine 116 with a stop codon.
Molecular consequence: nonsense. On other transcripts: 5 prime UTR variant (4), non-coding transcript variant (2).
Genome position (GRCh38, 1-based): chr9:105,601,325, C>T. VCF-style: chr9-105601325-C-T. GRCh37 (hg19) VCF-style: chr9-108363606-C-T.
Other names: c.346C>T, p.Gln116Ter (NM_001198963.2, NM_001351496.2, NM_001351498.2 and 1 more transcripts); c.277C>T, p.Gln93Ter (NM_001351497.2); c.-169C>T (NM_001351499.2, NM_001351500.2, NM_001351501.2 and 1 more transcripts); short protein forms Q116*, Q93*.
Identifiers: ClinVar variation 3206 (VCV000003206.20), dbSNP rs119463991, ClinGen allele CA116066.

ClinVar aggregate classification (germline): Pathogenic. Review status: criteria provided, multiple submitters, no conflicts (2 of 4 stars). 7 submissions from 7 submitters: Pathogenic (6). 1 of the submissions does not count toward it. Last evaluated 2026-01-25.

Conditions:
Walker-Warburg congenital muscular dystrophy. Also called: Muscular dystrophy-dystroglycanopathy, type A; Walker-Warburg syndrome. Identifiers: Orphanet 899, MedGen C0265221, MONDO:0000171.
Cardiovascular phenotype. Identifiers: MedGen CN230736.
Muscular dystrophy-dystroglycanopathy (congenital with brain and eye anomalies), type A, 4 (MDDGA4). Also called: Walker-Warburg Syndrome, Fktn-Related; Muscular dystrophy, congenital progressive, with mental retardation; Muscular dystrophy, congenital, with central nervous system involvement; Cerebromuscular dystrophy, Fukuyama type; Congenital muscular dystrophy-dystroglycanopathy with brain and eye anomalies, type A4; WALKER-WARBURG SYNDROME OR MUSCLE-EYE-BRAIN DISEASE, FKTN-RELATED. Identifiers: Orphanet 272, Orphanet 588, Orphanet 899, MedGen C0410174, MONDO:0009678, OMIM 253800.
Dilated cardiomyopathy 1X (CMD1X). Also called: FKTN-Related Dilated Cardiomyopathy; CARDIOMYOPATHY, DILATED, WITH MILD OR NO PROXIMAL MUSCLE WEAKNESS. Identifiers: Orphanet 154, MedGen C1969024, MONDO:0012704, OMIM 611615.

Allele frequency attached by ClinVar (database versions not stated): gnomAD exomes below 0.00001; TOPMed below 0.00001; gnomAD 0.00001.
gnomAD v4.1: 4 of 1,607,904 alleles (0.00025%); highest among the groups gnomAD compares: African/African-American, 0.0053%; no homozygotes.

Submissions (7):

Labcorp Genetics (formerly Invitae), Labcorp
Classification: Pathogenic for Walker-Warburg congenital muscular dystrophy. Last evaluated: 2026-01-25. Review status: criteria provided, single submitter. Criteria: Invitae Variant Classification Sherloc (09022015). Collection method: clinical testing. Allele origin: germline.
Comment: This sequence change creates a premature translational stop signal (p.Gln116*) in the FKTN gene. It is expected to result in an absent or disrupted protein product. Loss-of-function variants in FKTN are known to be pathogenic (PMID: 17044012, 17878207, 18752264). This variant is not present in population databases (gnomAD no frequency). This premature translational stop signal has been observed in individuals with clinical features of muscular dystrophy-dystroglycanopathy (PMID: 14627679, 25814170). ClinVar contains an entry for this variant (Variation ID: 3206). For these reasons, this variant has been classified as Pathogenic.

Ambry Genetics
Classification: Pathogenic for Cardiovascular phenotype. Last evaluated: 2025-04-04. Review status: criteria provided, single submitter. Criteria: Ambry Variant Classification Scheme 2023. Collection method: clinical testing. Allele origin: germline.
Comment: The p.Q116* pathogenic mutation (also known as c.346C>T), located in coding exon 3 of the FKTN gene, results from a C to T substitution at nucleotide position 346. This changes the amino acid from a glutamine to a stop codon within coding exon 3. This variant has been identified in the homozygous state and/or in conjunction with other FKTN variant(s) in individual(s) with features consistent with FKTN-related dystroglycanopathies (de Bernab&eacute; DB et al. J Med Genet, 2003 Nov;40:845-8; Lim BC et al. Neuromuscul Disord, 2010 Aug;20:524-30; Yang H et al. Brain Dev, 2015 Oct;37:880-6). In addition to the clinical data presented in the literature, this alteration is expected to result in loss of function by premature protein truncation or nonsense-mediated mRNA decay. As such, this alteration is interpreted as a disease-causing mutation.

Natera, Inc.
Classification: Pathogenic for Walker-Warburg congenital muscular dystrophy. Last evaluated: 2024-05-07. Review status: criteria provided, single submitter. Criteria: Natera Variant Classification Schema (03/2026). Collection method: clinical testing. Allele origin: germline.
Comment: The c.346C>T variant in FKTN is a nonsense variant predicted to introduce a stop codon at amino acid 116. This variant is expected to result in nonsense mediated decay, truncation, or a dysfunctional protein product. This variant is rare in the general population with a frequency below the threshold expected for the associated phenotype(s). This variant has been observed in one or more individuals affected with the associated recessive disease, as either homozygous or compound heterozygous with a second variant (PMID: 25814170, 20620061, 37087885). Given the available evidence, this variant is classified as Pathogenic.

Baylor Genetics
Classification: Pathogenic for Dilated cardiomyopathy 1X. Last evaluated: 2024-03-12. Review status: criteria provided, single submitter. Criteria: ACMG Guidelines, 2015. Collection method: clinical testing. Allele origin: unknown.

Women's Health and Genetics/Laboratory Corporation of America, LabCorp
Classification: Pathogenic for Muscular dystrophy-dystroglycanopathy (congenital with brain and eye anomalies), type A, 4. Last evaluated: 2022-07-11. Review status: criteria provided, single submitter. Criteria: LabCorp Variant Classification Summary - May 2015. Collection method: clinical testing. Allele origin: germline.
Comment: Variant summary: FKTN c.346C>T (p.Gln116X) results in a premature termination codon, predicted to cause a truncation of the encoded protein or absence of the protein due to nonsense mediated decay, which are commonly known mechanisms for disease. Truncations downstream of this position have been classified as pathogenic by our laboratory. The variant was absent in 249418 control chromosomes. c.346C>T has been reported in the literature in individuals affected with Walker-Warburg Syndrome or related disorders. These data indicate that the variant may be associated with disease. Two clinical diagnostic laboratories have submitted clinical-significance assessments for this variant to ClinVar after 2014 without evidence for independent evaluation. All laboratories classified the variant as pathogenic/likely pathogenic. Based on the evidence outlined above, the variant was classified as pathogenic.

Juno Genomics, Hangzhou Juno Genomics, Inc
Classification: Pathogenic for Muscular dystrophy-dystroglycanopathy (congenital with brain and eye anomalies), type A, 4. Review status: criteria provided, single submitter. Criteria: ACMG Guidelines, 2015. Collection method: clinical testing. Allele origin: germline.
Comment: Absent from controls (or at extremely low frequency if recessive) in Genome Aggregation Database.;Null variant in a gene where loss of function (LOF) is a known mechanism of disease.;For recessive disorders, detected in trans with a pathogenic variant.;Patient's phenotype or family history is highly specific for a disease with a single genetic etiology.

OMIM
Classification: Pathogenic for MUSCULAR DYSTROPHY-DYSTROGLYCANOPATHY (CONGENITAL WITH BRAIN AND EYE ANOMALIES), TYPE A, 4. Last evaluated: 2003-11-01. Review status: no assertion criteria provided. Collection method: literature only. Allele origin: germline. Not counted in ClinVar's aggregate classification.

Literature cited by the submitters: PubMed 17044012 (cited by Labcorp Genetics (formerly Invitae), Labcorp); PubMed 17878207 (cited by Labcorp Genetics (formerly Invitae), Labcorp); PubMed 18752264 (cited by Labcorp Genetics (formerly Invitae), Labcorp); PubMed 14627679 (cited by 3 submitters); PubMed 25814170 (cited by 4 submitters); PubMed 20620061 (cited by 3 submitters); PubMed 37087885 (cited by Natera, Inc.).